The following is an entry in ClinVar:

NM_052876.4(NACC1):c.697C>T (p.Pro233Ser)

Gene: NACC1 (nucleus accumbens associated 1; plus strand). Cytogenetic location: 19p13.13.
Variant type: single nucleotide variant.
Coding change: c.697C>T on transcript NM_052876.4 (MANE Select); coding-DNA position 697, C replaced by T.
Protein change: p.Pro233Ser; replaces proline 233 with serine.
Molecular consequence: missense variant.
Genome position (GRCh38, 1-based): chr19:13,135,904, C>T. VCF-style: chr19-13135904-C-T. GRCh37 (hg19) VCF-style: chr19-13246718-C-T.
Other names: short protein forms P233S.
Identifiers: ClinVar variation 2973454 (VCV002973454.4), dbSNP rs2513136074, ClinGen allele CA404325925.

ClinVar aggregate classification (germline): Uncertain significance. Review status: criteria provided, multiple submitters, no conflicts (2 of 4 stars). 2 submissions from 2 submitters: Uncertain significance (2). Last evaluated 2025-01-17.

Submissions (2):

Greenwood Genetic Center Diagnostic Laboratories, Greenwood Genetic Center
Classification: Uncertain significance. Last evaluated: 2025-01-17. Review status: criteria provided, single submitter. Criteria: ACMG Guidelines, 2015. Collection method: clinical testing. Allele origin: germline.
Comment: PM2, BP4, PP2

Labcorp Genetics (formerly Invitae), Labcorp
Classification: Uncertain significance. Last evaluated: 2023-07-03. Review status: criteria provided, single submitter. Criteria: Invitae Variant Classification Sherloc (09022015). Collection method: clinical testing. Allele origin: germline.
Comment: This variant is not present in population databases (gnomAD no frequency). This sequence change replaces proline, which is neutral and non-polar, with serine, which is neutral and polar, at codon 233 of the NACC1 protein (p.Pro233Ser). In summary, the available evidence is currently insufficient to determine the role of this variant in disease. Therefore, it has been classified as a Variant of Uncertain Significance. Advanced modeling of protein sequence and biophysical properties (such as structural, functional, and spatial information, amino acid conservation, physicochemical variation, residue mobility, and thermodynamic stability) performed at Invitae indicates that this missense variant is not expected to disrupt NACC1 protein function. This variant has not been reported in the literature in individuals affected with NACC1-related conditions.